The following is an entry in ClinVar:

ClinVar aggregate classification (germline): Uncertain significance (1 of 4 stars; one submission).

Conditions:
Mucopolysaccharidosis, MPS-III-D (MPS3D). Also called: N-ACETYLGLUCOSAMINE-6-SULFATASE DEFICIENCY; SANFILIPPO SYNDROME D; MPS III D; Mucopoly-saccharidosis type 3D; N-acetylglucosamine-6-sulfate sulfatase deficiency; MPS 3D. Identifiers: Orphanet 581, Orphanet 79272, MedGen C0086650, MONDO:0009658, OMIM 252940.

Allele frequency attached by ClinVar (database versions not stated): ESP Exome Variant Server 0.00008; ExAC 0.00001; TOPMed 0.00002.
gnomAD v4.1: 5 of 1,428,140 alleles (0.00035%); highest among the groups gnomAD compares: South Asian, 0.0023%; no homozygotes.

Submission:

Labcorp Genetics (formerly Invitae), Labcorp
Classification: Uncertain significance for Mucopolysaccharidosis, MPS-III-D. Last evaluated: 2022-08-10. Review status: criteria provided, single submitter. Criteria: Invitae Variant Classification Sherloc (09022015). Collection method: clinical testing. Allele origin: germline.
Comment: This sequence change affects codon 437 of the GNS mRNA. It is a 'silent' change, meaning that it does not change the encoded amino acid sequence of the GNS protein. This variant is present in population databases (rs376356295, gnomAD 0.007%). This variant has not been reported in the literature in individuals affected with GNS-related conditions. Algorithms developed to predict the effect of sequence changes on RNA splicing suggest that this variant may create or strengthen a splice site. In summary, the available evidence is currently insufficient to determine the role of this variant in disease. Therefore, it has been classified as a Variant of Uncertain Significance.

NM_002076.4(GNS):c.1311A>G (p.Gln437=)

Gene: GNS (glucosamine (N-acetyl)-6-sulfatase; minus strand). Cytogenetic location: 12q14.3.
Variant type: single nucleotide variant.
Coding change: c.1311A>G on transcript NM_002076.4 (MANE Select); coding-DNA position 1311, A replaced by G.
Protein change: p.Gln437=; no amino-acid change (glutamine 437 retained).
Molecular consequence: synonymous variant.
Genome position (GRCh38, 1-based): chr12:64,721,703, T>C on the plus strand (A>G on the coding strand, the complement: GNS is on the minus strand). VCF-style: chr12-64721703-T-C. GRCh37 (hg19) VCF-style: chr12-65115483-T-C.
Identifiers: ClinVar variation 2171661 (VCV002171661.1), dbSNP rs376356295, ClinGen allele CA6669687.